The following is an entry in ClinVar:

NM_000245.4(MET):c.4136T>G (p.Val1379Gly)

Gene: MET (MET proto-oncogene, receptor tyrosine kinase; plus strand). Cytogenetic location: 7q31.2.
Variant type: single nucleotide variant.
Coding change: c.4136T>G on transcript NM_000245.4 (MANE Select); coding-DNA position 4136, T replaced by G.
Protein change: p.Val1379Gly; replaces valine 1379 with glycine.
Molecular consequence: missense variant.
Genome position (GRCh38, 1-based): chr7:116,796,087, T>G. VCF-style: chr7-116796087-T-G. GRCh37 (hg19) VCF-style: chr7-116436141-T-G.
Other names: c.4190T>G, p.Val1397Gly (NM_001127500.3); c.2846T>G, p.Val949Gly (NM_001324402.2); short protein forms V1379G, V1397G, V949G.
Identifiers: ClinVar variation 1057320 (VCV001057320.9), dbSNP rs2117113573, ClinGen allele CA369118468.

ClinVar aggregate classification (germline): Conflicting classifications of pathogenicity. Review status: criteria provided, conflicting classifications (1 of 4 stars). 3 submissions from 3 submitters: Uncertain significance (2); Likely benign (1). Last evaluated 2025-04-30.

Conditions:
Hereditary cancer-predisposing syndrome. Also called: Hereditary Cancer Syndrome; Tumor predisposition; Hereditary neoplastic syndrome; Neoplastic Syndromes, Hereditary. Identifiers: Orphanet 140162, MedGen C0027672, MeSH D009386, MONDO:0015356.
Renal cell carcinoma. Identifiers: Orphanet 217071, MedGen C0007134, MeSH D002292, MONDO:0005086, HP:0005584.

Allele frequency attached by ClinVar (database versions not stated): gnomAD exomes below 0.00001.
gnomAD v4.1: 3 of 1,614,136 alleles (0.00019%); highest among the groups gnomAD compares: Middle Eastern, 0.016%; no homozygotes.

Submissions (3):

Labcorp Genetics (formerly Invitae), Labcorp
Classification: Uncertain significance for Renal cell carcinoma. Last evaluated: 2025-04-30. Review status: criteria provided, single submitter. Criteria: Invitae Variant Classification Sherloc (09022015). Collection method: clinical testing. Allele origin: germline.
Comment: This sequence change replaces valine, which is neutral and non-polar, with glycine, which is neutral and non-polar, at codon 1397 of the MET protein (p.Val1397Gly). This variant is not present in population databases (gnomAD no frequency). This variant has not been reported in the literature in individuals affected with MET-related conditions. ClinVar contains an entry for this variant (Variation ID: 1057320). An algorithm developed to predict the effect of missense changes on protein structure and function outputs the following: PolyPhen-2: "Benign". The glycine amino acid residue is found in multiple mammalian species, which suggests that this missense change does not adversely affect protein function. In summary, the available evidence is currently insufficient to determine the role of this variant in disease. Therefore, it has been classified as a Variant of Uncertain Significance.

GeneDx
Classification: Uncertain significance. Last evaluated: 2022-08-30. Review status: criteria provided, single submitter. Criteria: GeneDx Variant Classification Process June 2021. Collection method: clinical testing. Allele origin: germline. Affected: yes.
Comment: Not observed at significant frequency in large population cohorts (gnomAD); In silico analysis supports that this missense variant does not alter protein structure/function; Has not been previously published as pathogenic or benign to our knowledge

Ambry Genetics
Classification: Likely benign for Hereditary cancer-predisposing syndrome. Last evaluated: 2021-07-20. Review status: criteria provided, single submitter. Criteria: Ambry Variant Classification Scheme 2023. Collection method: clinical testing. Allele origin: germline.